The following is an entry in ClinVar:

ClinVar aggregate classification (germline): not provided (0 of 4 stars; one submission).

Conditions:
Familial long QT syndrome (RWS). Also called: Congenital long QT syndrome; Romano-Ward syndrome; VENTRICULAR FIBRILLATION WITH PROLONGED QT INTERVAL. Identifiers: Orphanet 768, MedGen C1141890, MONDO:0019171.

Submission:

Cardiovascular Biomedical Research Unit, Royal Brompton & Harefield NHS Foundation Trust
No classification provided. Condition: Familial long QT syndrome. Review status: no classification provided. Collection method: literature only. Allele origin: germline.
Comment: This variant has been reported as associated with Long QT syndrome in the following publications (PMID:14678125;PMID:15466642;PMID:15840476;PMID:19841300;PMID:17470695). This is a literature report, and does not necessarily reflect the clinical interpretation of the Imperial College / Royal Brompton Cardiovascular Genetics laboratory.

Literature cited by the submitters: PubMed 14678125; PubMed 15466642; PubMed 15840476; PubMed 19841300; PubMed 17470695; PubMed 22581653.

NM_000218.3(KCNQ1):c.1700T>G (p.Ile567Ser)

Gene: KCNQ1 (potassium voltage-gated channel subfamily Q member 1; plus strand). Cytogenetic location: 11p15.5.
Variant type: single nucleotide variant.
Coding change: c.1700T>G on transcript NM_000218.3 (MANE Select); coding-DNA position 1700, T replaced by G.
Protein change: p.Ile567Ser; replaces isoleucine 567 with serine.
Molecular consequence: missense variant.
Genome position (GRCh38, 1-based): chr11:2,777,000, T>G. VCF-style: chr11-2777000-T-G. GRCh37 (hg19) VCF-style: chr11-2798230-T-G.
Other names: c.1700T>G (LRG_287t1); c.1604T>G, p.Ile535Ser (NM_001406836.1); c.1430T>G, p.Ile477Ser (NM_001406837.1); c.1160T>G, p.Ile387Ser (NM_001406838.1); c.1319T>G, p.Ile440Ser (NM_181798.2); short protein forms I567S, I440S, I387S, I477S, I535S.
Identifiers: ClinVar variation 53008 (VCV000053008.3), dbSNP rs199472805, ClinGen allele CA006224.